The following is an entry in ClinVar:

NM_005012.4(ROR1):c.1405C>A (p.Pro469Thr)

Gene: ROR1 (receptor tyrosine kinase like orphan receptor 1; plus strand). Cytogenetic location: 1p31.3.
Variant type: single nucleotide variant.
Coding change: c.1405C>A on transcript NM_005012.4 (MANE Select); coding-DNA position 1405, C replaced by A.
Protein change: p.Pro469Thr; replaces proline 469 with threonine.
Molecular consequence: missense variant.
Genome position (GRCh38, 1-based): chr1:64,177,446, C>A. VCF-style: chr1-64177446-C-A. GRCh37 (hg19) VCF-style: chr1-64643129-C-A.
Other names: c.1405C>A (NM_005012.2); short protein forms P469T.
Identifiers: ClinVar variation 2812222 (VCV002812222.4), dbSNP rs781140056, ClinGen allele CA890283.
Genomic context (GRCh38, chr1:64,177,446, plus strand): 5'-GAAGATATGTTTTAAACCACGTTTTTCCTCTCTTTCATACAGAGCAAGGCTAAAGAGCTA[C>A]CTCTTTCTGCTGTACGCTTTATGGAAGAATTGGGTGAGTGTGCCTTTGGAAAAATCTATA-3'
Protein context (NP_005003.2, residues 459-479): YKPKSKAKEL[Pro469Thr]LSAVRFMEEL

ClinVar aggregate classification (germline): Uncertain significance. Review status: criteria provided, multiple submitters, no conflicts (2 of 4 stars). 2 submissions from 2 submitters: Uncertain significance (2). Last evaluated 2024-08-14.

Allele frequency attached by ClinVar (database versions not stated): ExAC 0.00001; TOPMed 0.00001; gnomAD exomes below 0.00001.
gnomAD v4.1: 7 of 1,613,456 alleles (0.00043%); highest among the groups gnomAD compares: East Asian, 0.0089%; no homozygotes.

Submissions (2):

Labcorp Genetics (formerly Invitae), Labcorp
Classification: Uncertain significance. Last evaluated: 2024-08-14. Review status: criteria provided, single submitter. Criteria: Invitae Variant Classification Sherloc (09022015). Collection method: clinical testing. Allele origin: germline.
Comment: This sequence change replaces proline, which is neutral and non-polar, with threonine, which is neutral and polar, at codon 469 of the ROR1 protein (p.Pro469Thr). This variant is present in population databases (rs781140056, gnomAD 0.006%). This variant has not been reported in the literature in individuals affected with ROR1-related conditions. Invitae Evidence Modeling of protein sequence and biophysical properties (such as structural, functional, and spatial information, amino acid conservation, physicochemical variation, residue mobility, and thermodynamic stability) indicates that this missense variant is not expected to disrupt ROR1 protein function with a negative predictive value of 80%. In summary, the available evidence is currently insufficient to determine the role of this variant in disease. Therefore, it has been classified as a Variant of Uncertain Significance.

Ambry Genetics
Classification: Uncertain significance. Last evaluated: 2024-02-21. Review status: criteria provided, single submitter. Criteria: Ambry Variant Classification Scheme 2023. Collection method: clinical testing. Allele origin: germline.